The following is an entry in ClinVar:

ClinVar aggregate classification (germline): Uncertain significance (1 of 4 stars; one submission).

Submission:

Labcorp Genetics (formerly Invitae), Labcorp
Classification: Uncertain significance. Last evaluated: 2022-06-24. Review status: criteria provided, single submitter. Criteria: Invitae Variant Classification Sherloc (09022015). Collection method: clinical testing. Allele origin: germline.
Comment: This sequence change replaces alanine, which is neutral and non-polar, with glutamic acid, which is acidic and polar, at codon 195 of the MYO6 protein (p.Ala195Glu). This variant is not present in population databases (gnomAD no frequency). This missense change has been observed in individual(s) with deafness (PMID: 28000701; Invitae). Algorithms developed to predict the effect of missense changes on protein structure and function are either unavailable or do not agree on the potential impact of this missense change (SIFT: "Deleterious"; PolyPhen-2: "Not Available"; Align-GVGD: "Class C65"). In summary, the available evidence is currently insufficient to determine the role of this variant in disease. Therefore, it has been classified as a Variant of Uncertain Significance.

Literature cited by the submitters: PubMed 28000701.

NM_004999.4(MYO6):c.584C>A (p.Ala195Glu)

Gene: MYO6 (myosin VI; plus strand). Cytogenetic location: 6q14.1.
Variant type: single nucleotide variant.
Coding change: c.584C>A on transcript NM_004999.4 (MANE Select); coding-DNA position 584, C replaced by A.
Protein change: p.Ala195Glu; replaces alanine 195 with glutamic acid.
Molecular consequence: missense variant. On other transcripts: non-coding transcript variant (2).
Genome position (GRCh38, 1-based): chr6:75,840,615, C>A. VCF-style: chr6-75840615-C-A. GRCh37 (hg19) VCF-style: chr6-76550332-C-A.
Other names: c.584C>A, p.Ala195Glu (NM_001300899.2, NM_001368136.1, NM_001368137.1 and 4 more transcripts); c.569C>A, p.Ala190Glu (NM_001368138.1); short protein forms A190E, A195E.
Identifiers: ClinVar variation 1392928 (VCV001392928.8), dbSNP rs772421255, ClinGen allele CA364770596.